The following is an entry in ClinVar:

ClinVar aggregate classification (germline): Uncertain significance. Review status: criteria provided, multiple submitters, no conflicts (2 of 4 stars). 2 submissions from 2 submitters: Uncertain significance (2). Last evaluated 2024-06-17.

Conditions:
Autosomal dominant centronuclear myopathy. Also called: MYOTUBULAR MYOPATHY, AUTOSOMAL DOMINANT; Myopathy, centronuclear, 3. Identifiers: Orphanet 169189, MedGen C4551952, MeSH D020914, MONDO:0008048, OMIM 160150.

Allele frequency attached by ClinVar (database versions not stated): TOPMed 0.00002.
gnomAD v4.1: 55 of 1,614,036 alleles (0.0034%); highest among the groups gnomAD compares: Non-Finnish European, 0.0044%; no homozygotes.

Submissions (2):

Ambry Genetics
Classification: Uncertain significance. Last evaluated: 2024-06-17. Review status: criteria provided, single submitter. Criteria: Ambry Variant Classification Scheme 2023. Collection method: clinical testing. Allele origin: germline.

Labcorp Genetics (formerly Invitae), Labcorp
Classification: Uncertain significance for Autosomal dominant centronuclear myopathy. Last evaluated: 2022-03-18. Review status: criteria provided, single submitter. Criteria: Invitae Variant Classification Sherloc (09022015). Collection method: clinical testing. Allele origin: germline.
Comment: In summary, the available evidence is currently insufficient to determine the role of this variant in disease. Therefore, it has been classified as a Variant of Uncertain Significance. Algorithms developed to predict the effect of missense changes on protein structure and function (SIFT, PolyPhen-2, Align-GVGD) all suggest that this variant is likely to be disruptive. ClinVar contains an entry for this variant (Variation ID: 837609). This variant has not been reported in the literature in individuals affected with MYF6-related conditions. This variant is present in population databases (rs34563783, gnomAD 0.008%). This sequence change replaces arginine, which is basic and polar, with glycine, which is neutral and non-polar, at codon 118 of the MYF6 protein (p.Arg118Gly).

NM_002469.3(MYF6):c.352C>G (p.Arg118Gly)

Gene: MYF6 (myogenic factor 6; plus strand). Cytogenetic location: 12q21.31.
Variant type: single nucleotide variant.
Coding change: c.352C>G on transcript NM_002469.3 (MANE Select); coding-DNA position 352, C replaced by G.
Protein change: p.Arg118Gly; replaces arginine 118 with glycine.
Molecular consequence: missense variant.
Genome position (GRCh38, 1-based): chr12:80,708,071, C>G. VCF-style: chr12-80708071-C-G. GRCh37 (hg19) VCF-style: chr12-81101850-C-G.
Other names: short protein forms R118G.
Identifiers: ClinVar variation 837609 (VCV000837609.12), dbSNP rs34563783, ClinGen allele CA6703074.